The following is an entry in ClinVar:

NM_052947.4(ALPK2):c.1810A>T (p.Ile604Phe)

Gene: ALPK2 (alpha kinase 2; minus strand). Cytogenetic location: 18q21.31.
Variant type: single nucleotide variant.
Coding change: c.1810A>T on transcript NM_052947.4 (MANE Select); coding-DNA position 1810, A replaced by T.
Protein change: p.Ile604Phe; replaces isoleucine 604 with phenylalanine.
Molecular consequence: missense variant.
Genome position (GRCh38, 1-based): chr18:58,578,966, T>A on the plus strand (A>T on the coding strand, the complement: ALPK2 is on the minus strand). VCF-style: chr18-58578966-T-A. GRCh37 (hg19) VCF-style: chr18-56246198-T-A.
Other names: short protein forms I604F.
Identifiers: ClinVar variation 1780576 (VCV001780576.2), dbSNP rs770454658, ClinGen allele CA402560066.

ClinVar aggregate classification (germline): Uncertain significance (1 of 4 stars; one submission).

gnomAD v4.1: 2 of 1,614,238 alleles (0.00012%); highest among the groups gnomAD compares: Non-Finnish European, 0.00017%; no homozygotes.

Submission:

Ambry Genetics
Classification: Uncertain significance. Last evaluated: 2022-08-16. Review status: criteria provided, single submitter. Criteria: Ambry Variant Classification Scheme 2023. Collection method: clinical testing. Allele origin: germline.
Comment: The p.I604F variant (also known as c.1810A>T), located in coding exon 3 of the ALPK2 gene, results from an A to T substitution at nucleotide position 1810. The isoleucine at codon 604 is replaced by phenylalanine, an amino acid with highly similar properties. This amino acid position is conserved. In addition, this alteration is predicted to be tolerated by in silico analysis. Since supporting evidence is limited at this time, the clinical significance of this alteration remains unclear.